The following is an entry in ClinVar:

ClinVar aggregate classification (germline): Uncertain significance (1 of 4 stars; one submission).

Submission:

Labcorp Genetics (formerly Invitae), Labcorp
Classification: Uncertain significance. Last evaluated: 2022-05-17. Review status: criteria provided, single submitter. Criteria: Invitae Variant Classification Sherloc (09022015). Collection method: clinical testing. Allele origin: germline.
Comment: In summary, the available evidence is currently insufficient to determine the role of this variant in disease. Therefore, it has been classified as a Variant of Uncertain Significance. Algorithms developed to predict the effect of missense changes on protein structure and function output the following: SIFT: "Tolerated"; PolyPhen-2: "Benign"; Align-GVGD: "Class C0". The serine amino acid residue is found in multiple mammalian species, which suggests that this missense change does not adversely affect protein function. This variant has not been reported in the literature in individuals affected with PLVAP-related conditions. This variant is not present in population databases (gnomAD no frequency). This sequence change replaces threonine, which is neutral and polar, with serine, which is neutral and polar, at codon 92 of the PLVAP protein (p.Thr92Ser).

NM_031310.3(PLVAP):c.274A>T (p.Thr92Ser)

Gene: PLVAP (plasmalemma vesicle associated protein; minus strand). Cytogenetic location: 19p13.11.
Variant type: single nucleotide variant.
Coding change: c.274A>T on transcript NM_031310.3 (MANE Select); coding-DNA position 274, A replaced by T.
Protein change: p.Thr92Ser; replaces threonine 92 with serine.
Molecular consequence: missense variant.
Genome position (GRCh38, 1-based): chr19:17,377,015, T>A on the plus strand (A>T on the coding strand, the complement: PLVAP is on the minus strand). VCF-style: chr19-17377015-T-A. GRCh37 (hg19) VCF-style: chr19-17487824-T-A.
Other names: short protein forms T92S.
Identifiers: ClinVar variation 1995621 (VCV001995621.4), dbSNP rs2513238746, ClinGen allele CA404684620.